The following is an entry in ClinVar:

NM_000059.4(BRCA2):c.7735A>G (p.Ile2579Val)

Gene: BRCA2 (BRCA2 DNA repair associated; plus strand). Cytogenetic location: 13q13.1.
Variant type: single nucleotide variant.
Coding change: c.7735A>G on transcript NM_000059.4 (MANE Select); coding-DNA position 7735, A replaced by G.
Protein change: p.Ile2579Val; replaces isoleucine 2579 with valine.
Molecular consequence: missense variant.
Genome position (GRCh38, 1-based): chr13:32,357,859, A>G. VCF-style: chr13-32357859-A-G. GRCh37 (hg19) VCF-style: chr13-32931996-A-G.
Other names: short protein forms I2579V.
Identifiers: ClinVar variation 1059890 (VCV001059890.12), dbSNP rs2137567207, ClinGen allele CA387745580.

ClinVar aggregate classification (germline): Conflicting classifications of pathogenicity. Review status: criteria provided, conflicting classifications (1 of 4 stars). 2 submissions from 2 submitters: Uncertain significance (1); Benign (1). Last evaluated 2025-05-09.

Conditions:
Hereditary cancer-predisposing syndrome. Also called: Neoplastic Syndromes, Hereditary; Hereditary Cancer Syndrome; Hereditary neoplastic syndrome; Tumor predisposition. Identifiers: Orphanet 140162, MedGen C0027672, MeSH D009386, MONDO:0015356.
Hereditary breast ovarian cancer syndrome. Also called: Hereditary breast and/or ovarian cancer syndrome; Breast and ovarian cancer; BRCA1- and BRCA2-Associated Hereditary Breast and Ovarian Cancer; Hereditary breast and ovarian cancer syndrome; Hereditary breast and ovarian cancer syndrome (HBOC); Hereditary breast and ovarian cancer. Identifiers: Orphanet 145, MedGen C0677776, MeSH D061325, MONDO:0003582. Disease mechanism: loss of function.

Submissions (2):

Ambry Genetics
Classification: Benign for Hereditary cancer-predisposing syndrome. Last evaluated: 2025-05-09. Review status: criteria provided, single submitter. Criteria: Ambry Variant Classification Scheme 2023. Collection method: clinical testing. Allele origin: germline.

Labcorp Genetics (formerly Invitae), Labcorp
Classification: Uncertain significance for Hereditary breast ovarian cancer syndrome. Last evaluated: 2024-04-15. Review status: criteria provided, single submitter. Criteria: Invitae Variant Classification Sherloc (09022015). Collection method: clinical testing. Allele origin: germline.
Comment: This sequence change replaces isoleucine, which is neutral and non-polar, with valine, which is neutral and non-polar, at codon 2579 of the BRCA2 protein (p.Ile2579Val). This variant is not present in population databases (gnomAD no frequency). This variant has not been reported in the literature in individuals affected with BRCA2-related conditions. ClinVar contains an entry for this variant (Variation ID: 1059890). Advanced modeling of protein sequence and biophysical properties (such as structural, functional, and spatial information, amino acid conservation, physicochemical variation, residue mobility, and thermodynamic stability) performed at Invitae indicates that this missense variant is not expected to disrupt BRCA2 protein function with a negative predictive value of 95%. In summary, the available evidence is currently insufficient to determine the role of this variant in disease. Therefore, it has been classified as a Variant of Uncertain Significance.